The following is an entry in ClinVar:

NM_177438.3(DICER1):c.1942C>A (p.His648Asn)

Gene: DICER1 (dicer 1, ribonuclease III; minus strand). Cytogenetic location: 14q32.13.
Variant type: single nucleotide variant.
Coding change: c.1942C>A on transcript NM_177438.3 (MANE Select); coding-DNA position 1942, C replaced by A.
Protein change: p.His648Asn; replaces histidine 648 with asparagine.
Molecular consequence: missense variant.
Genome position (GRCh38, 1-based): chr14:95,113,190, G>T on the plus strand (C>A on the coding strand, the complement: DICER1 is on the minus strand). VCF-style: chr14-95113190-G-T. GRCh37 (hg19) VCF-style: chr14-95579527-G-T.
Other names: c.1942C>A (NM_177438.2); c.1942C>A, p.His648Asn (NM_001195573.1, NM_001271282.3, NM_001291628.2 and 1 more transcripts); short protein forms H648N.
Identifiers: ClinVar variation 1461788 (VCV001461788.11), dbSNP rs1892136927, ClinGen allele CA390883444.
Genomic context (GRCh38, chr14:95,113,190, plus strand): 5'-AAAGAGTTGAATAAAATGTACCATCAGGCAACTCTCGGGTTCTGCATTTAGGAGCTAGAT[G>T]AGTAAACGGATCACTTGGTAATCTAGCACAGTATCTGTGAAGAAAAAGAAATTCTGAGGC-3'
Protein context (NP_803187.1, residues 638-658): CARLPSDPFT[His648Asn]LAPKCRTREL

ClinVar aggregate classification (germline): Uncertain significance. Review status: criteria provided, multiple submitters, no conflicts (2 of 4 stars). 2 submissions from 2 submitters: Uncertain significance (2). Last evaluated 2025-07-14.

Conditions:
Hereditary cancer-predisposing syndrome. Also called: Neoplastic Syndromes, Hereditary; Hereditary Cancer Syndrome; Tumor predisposition; Hereditary neoplastic syndrome. Identifiers: Orphanet 140162, MedGen C0027672, MeSH D009386, MONDO:0015356.
DICER1-related tumor predisposition. Also called: DICER1-related pleuropulmonary blastoma cancer predisposition syndrome; DICER1 syndrome. Identifiers: Orphanet 284343, MedGen C3839822, MONDO:0100216.

Allele frequency attached by ClinVar (database versions not stated): gnomAD exomes below 0.00001.
gnomAD v4.1: 3 of 1,613,666 alleles (0.00019%); highest among the groups gnomAD compares: Non-Finnish European, 0.00025%; no homozygotes.

Submissions (2):

Ambry Genetics
Classification: Uncertain significance for Hereditary cancer-predisposing syndrome. Last evaluated: 2025-07-14. Review status: criteria provided, single submitter. Criteria: Ambry Variant Classification Scheme 2023. Collection method: clinical testing. Allele origin: germline.
Comment: The p.H648N variant (also known as c.1942C>A), located in coding exon 11 of the DICER1 gene, results from a C to A substitution at nucleotide position 1942. The histidine at codon 648 is replaced by asparagine, an amino acid with similar properties. This amino acid position is highly conserved in available vertebrate species. In addition, this alteration is predicted to be tolerated by in silico analysis. Based on the available evidence, the clinical significance of this variant remains unclear.

Labcorp Genetics (formerly Invitae), Labcorp
Classification: Uncertain significance for DICER1-related tumor predisposition. Last evaluated: 2021-05-16. Review status: criteria provided, single submitter. Criteria: Invitae Variant Classification Sherloc (09022015). Collection method: clinical testing. Allele origin: germline.
Comment: In summary, the available evidence is currently insufficient to determine the role of this variant in disease. Therefore, it has been classified as a Variant of Uncertain Significance. Algorithms developed to predict the effect of missense changes on protein structure and function are either unavailable or do not agree on the potential impact of this missense change (SIFT: "Tolerated"; PolyPhen-2: "Probably Damaging"; Align-GVGD: "Class C15"). This variant has not been reported in the literature in individuals with DICER1-related conditions. This variant is not present in population databases (ExAC no frequency). This sequence change replaces histidine with asparagine at codon 648 of the DICER1 protein (p.His648Asn). The histidine residue is highly conserved and there is a small physicochemical difference between histidine and asparagine.